The following is an entry in ClinVar:

ClinVar aggregate classification (germline): Likely benign (0 of 4 stars; one submission).

Conditions:
CFTR-related disorder (CFTR-RD). Also called: CFTR-related disorders; CFTR-related condition. Identifiers: MedGen C5924204, MONDO:7770004.

Submission:

PreventionGenetics, part of Exact Sciences
Classification: Likely benign for CFTR-related condition. Last evaluated: 2024-07-17. Review status: no assertion criteria provided. Collection method: clinical testing. Allele origin: germline.
Comment: This variant is classified as likely benign based on ACMG/AMP sequence variant interpretation guidelines (Richards et al. 2015 PMID: 25741868, with internal and published modifications).

NM_000492.4(CFTR):c.3717+41G>C

Genes: CFTR (CF transmembrane conductance regulator; plus strand), CFTR-AS2 (CFTR antisense RNA 2; minus strand). Cytogenetic location: 7q31.2.
Variant type: single nucleotide variant.
Coding change: c.3717+41G>C on transcript NM_000492.4 (MANE Select); 41 bases into the intron after coding-DNA position 3717, G replaced by C.
Molecular consequence: intron variant.
Genome position (GRCh38, 1-based): chr7:117,627,811, G>C. VCF-style: chr7-117627811-G-C. GRCh37 (hg19) VCF-style: chr7-117267865-G-C.
Identifiers: ClinVar variation 3347241 (VCV003347241.1).